The following is an entry in ClinVar:

NM_138393.4(REEP6):c.95A>T (p.Glu32Val)

Genes: REEP6 (receptor accessory protein 6; plus strand), LOC130062963 (ATAC-STARR-seq lymphoblastoid silent region 9724; plus strand). Cytogenetic location: 19p13.3.
Variant type: single nucleotide variant.
Coding change: c.95A>T on transcript NM_138393.4 (MANE Select); coding-DNA position 95, A replaced by T.
Protein change: p.Glu32Val; replaces glutamic acid 32 with valine.
Molecular consequence: missense variant.
Genome position (GRCh38, 1-based): chr19:1,491,364, A>T. VCF-style: chr19-1491364-A-T. GRCh37 (hg19) VCF-style: chr19-1491363-A-T.
Other names: c.95A>T (NM_138393.1); c.95A>T, p.Glu32Val (NM_001329556.3); short protein forms E32V.
Identifiers: ClinVar variation 1059543 (VCV001059543.11), dbSNP rs901177993, ClinGen allele CA403055930.

ClinVar aggregate classification (germline): Uncertain significance. Review status: criteria provided, multiple submitters, no conflicts (2 of 4 stars). 3 submissions from 3 submitters: Uncertain significance (3). Last evaluated 2025-10-28.

Conditions:
Inborn genetic diseases. Identifiers: MedGen C0950123, MeSH D030342.

gnomAD v4.1: 2 of 1,470,496 alleles (0.00014%); highest among the groups gnomAD compares: Non-Finnish European, 0.00018%; no homozygotes.

Submissions (3):

Ambry Genetics
Classification: Uncertain significance for Inborn genetic diseases. Last evaluated: 2025-10-28. Review status: criteria provided, single submitter. Criteria: Ambry Variant Classification Scheme 2023. Collection method: clinical testing. Allele origin: germline.

Labcorp Genetics (formerly Invitae), Labcorp
Classification: Uncertain significance. Last evaluated: 2022-10-24. Review status: criteria provided, single submitter. Criteria: Invitae Variant Classification Sherloc (09022015). Collection method: clinical testing. Allele origin: germline.
Comment: In summary, the available evidence is currently insufficient to determine the role of this variant in disease. Therefore, it has been classified as a Variant of Uncertain Significance. Experimental studies and prediction algorithms are not available or were not evaluated, and the functional significance of this variant is currently unknown. ClinVar contains an entry for this variant (Variation ID: 1059543). This variant has not been reported in the literature in individuals affected with REEP6-related conditions. This sequence change replaces glutamic acid, which is acidic and polar, with valine, which is neutral and non-polar, at codon 32 of the REEP6 protein (p.Glu32Val). This variant is not present in population databases (gnomAD no frequency).

Blueprint Genetics
Classification: Uncertain significance. Last evaluated: 2019-05-15. Review status: criteria provided, single submitter. Criteria: ACMG Guidelines, 2015. Collection method: clinical testing. Allele origin: germline.